The following is an entry in ClinVar:

NM_139321.3(ATRN):c.215T>C (p.Leu72Pro)

Genes: ATRN (attractin; plus strand), LOC130065331 (ATAC-STARR-seq lymphoblastoid silent region 12621; plus strand). Cytogenetic location: 20p13.
Variant type: single nucleotide variant.
Coding change: c.215T>C on transcript NM_139321.3 (MANE Select); coding-DNA position 215, T replaced by C.
Protein change: p.Leu72Pro; replaces leucine 72 with proline.
Molecular consequence: missense variant. On other transcripts: intron variant (1).
Genome position (GRCh38, 1-based): chr20:3,471,322, T>C. VCF-style: chr20-3471322-T-C. GRCh37 (hg19) VCF-style: chr20-3451969-T-C.
Other names: c.215T>C, p.Leu72Pro (NM_001323332.2, NM_139322.4); c.62+188T>C (NM_001207047.3); short protein forms L72P.
Identifiers: ClinVar variation 3332491 (VCV003332491.3).

ClinVar aggregate classification (germline): Conflicting classifications of pathogenicity. Review status: criteria provided, conflicting classifications (1 of 4 stars). 2 submissions from 2 submitters: Uncertain significance (1); Likely benign (1). Last evaluated 2025-06-18.

gnomAD v4.1: 169 of 1,441,594 alleles (0.012%); highest among the groups gnomAD compares: Admixed American, 0.037%; no homozygotes.

Submissions (2):

Labcorp Genetics (formerly Invitae), Labcorp
Classification: Uncertain significance. Last evaluated: 2025-06-18. Review status: criteria provided, single submitter. Criteria: Invitae Variant Classification Sherloc (09022015). Collection method: clinical testing. Allele origin: germline.
Comment: This sequence change replaces leucine, which is neutral and non-polar, with proline, which is neutral and non-polar, at codon 72 of the ATRN protein (p.Leu72Pro). The frequency data for this variant in the population databases is considered unreliable, as metrics indicate poor data quality at this position in the gnomAD database. This variant has not been reported in the literature in individuals affected with ATRN-related conditions. ClinVar contains an entry for this variant (Variation ID: 3332491). An algorithm developed to predict the effect of missense changes on protein structure and function outputs the following: PolyPhen-2: "Not Available". The proline amino acid residue is found in multiple mammalian species, which suggests that this missense change does not adversely affect protein function. In summary, the available evidence is currently insufficient to determine the role of this variant in disease. Therefore, it has been classified as a Variant of Uncertain Significance.

Ambry Genetics
Classification: Likely benign. Last evaluated: 2024-06-07. Review status: criteria provided, single submitter. Criteria: Ambry Variant Classification Scheme 2023. Collection method: clinical testing. Allele origin: germline.